The following is an entry in ClinVar:

NM_001845.6(COL4A1):c.2149G>T (p.Gly717Ter)

Gene: COL4A1 (collagen type IV alpha 1 chain; minus strand). Cytogenetic location: 13q34.
Variant type: single nucleotide variant.
Coding change: c.2149G>T on transcript NM_001845.6 (MANE Select); coding-DNA position 2149, G replaced by T.
Protein change: p.Gly717Ter; replaces glycine 717 with a stop codon.
Molecular consequence: nonsense.
Genome position (GRCh38, 1-based): chr13:110,181,336, C>A on the plus strand (G>T on the coding strand, the complement: COL4A1 is on the minus strand). VCF-style: chr13-110181336-C-A. GRCh37 (hg19) VCF-style: chr13-110833683-C-A.
Other names: short protein forms G717*.
Identifiers: ClinVar variation 4077090 (VCV004077090.1).

ClinVar aggregate classification (germline): Likely pathogenic (1 of 4 stars; one submission).

Conditions:
Autosomal dominant familial hematuria-retinal arteriolar tortuosity-contractures syndrome. Also called: Angiopathy, hereditary, with nephropathy, aneurysms, and muscle cramps; Hereditary Angiopathy with Nephropathy, Aneurysms, and Muscle Cramps (HANAC) Syndrome. Identifiers: Orphanet 73229, MedGen C2673195, MONDO:0012726, OMIM 611773.

Submission:

MVZ Medizinische Genetik Mainz
Classification: Likely pathogenic for Autosomal dominant familial hematuria-retinal arteriolar tortuosity-contractures syndrome. Last evaluated: 2025-07-24. Review status: criteria provided, single submitter. Criteria: UK Practice Guidelines For Variant Classification V4 01 2020. Collection method: clinical testing. Allele origin: germline. Inheritance: Autosomal dominant inheritance. Observed: 1 variant allele.
Comment: ACMG Criteria: PVS1,PM2_SUP